The following is an entry in ClinVar:

ClinVar aggregate classification (germline): Uncertain significance (1 of 4 stars; one submission).

Submission:

Labcorp Genetics (formerly Invitae), Labcorp
Classification: Uncertain significance. Last evaluated: 2024-11-11. Review status: criteria provided, single submitter. Criteria: Invitae Variant Classification Sherloc (09022015). Collection method: clinical testing. Allele origin: germline.
Comment: This sequence change replaces glycine, which is neutral and non-polar, with glutamic acid, which is acidic and polar, at codon 1486 of the KMT2A protein (p.Gly1486Glu). This variant is not present in population databases (gnomAD no frequency). This variant has not been reported in the literature in individuals affected with KMT2A-related conditions. Invitae Evidence Modeling of protein sequence and biophysical properties (such as structural, functional, and spatial information, amino acid conservation, physicochemical variation, residue mobility, and thermodynamic stability) indicates that this missense variant is expected to disrupt KMT2A protein function with a positive predictive value of 95%. In summary, the available evidence is currently insufficient to determine the role of this variant in disease. Therefore, it has been classified as a Variant of Uncertain Significance.

NM_001197104.2(KMT2A):c.4457G>A (p.Gly1486Glu)

Gene: KMT2A (lysine methyltransferase 2A; plus strand). Cytogenetic location: 11q23.3.
Variant type: single nucleotide variant.
Coding change: c.4457G>A on transcript NM_001197104.2 (MANE Select); coding-DNA position 4457, G replaced by A.
Protein change: p.Gly1486Glu; replaces glycine 1486 with glutamic acid.
Molecular consequence: missense variant.
Genome position (GRCh38, 1-based): chr11:118,488,738, G>A. VCF-style: chr11-118488738-G-A. GRCh37 (hg19) VCF-style: chr11-118359453-G-A.
Other names: c.4556G>A, p.Gly1519Glu (NM_001412597.1); c.4457G>A, p.Gly1486Glu (NM_005933.4); short protein forms G1519E, G1486E.
Identifiers: ClinVar variation 3634319 (VCV003634319.2).